The following is an entry in ClinVar:

NM_002907.4(RECQL):c.1447+4A>G

Gene: RECQL (RecQ like helicase; minus strand). Cytogenetic location: 12p12.1.
Variant type: single nucleotide variant.
Coding change: c.1447+4A>G on transcript NM_002907.4 (MANE Select); 4 bases into the intron after coding-DNA position 1447, A replaced by G.
Molecular consequence: intron variant.
Genome position (GRCh38, 1-based): chr12:21,473,547, T>C on the plus strand (A>G on the coding strand, the complement: RECQL is on the minus strand). VCF-style: chr12-21473547-T-C. GRCh37 (hg19) VCF-style: chr12-21626481-T-C.
Other names: c.1447+4A>G (NM_032941.3).
Identifiers: ClinVar variation 957821 (VCV000957821.7), dbSNP rs1327974809, ClinGen allele CA686394761.

ClinVar aggregate classification (germline): Uncertain significance (1 of 4 stars; one submission).

Allele frequency attached by ClinVar (database versions not stated): gnomAD exomes below 0.00001; gnomAD 0.00001; TOPMed 0.00001.
gnomAD v4.1: 4 of 1,609,776 alleles (0.00025%); highest among the groups gnomAD compares: Non-Finnish European, 0.00034%; no homozygotes.

Submission:

Labcorp Genetics (formerly Invitae), Labcorp
Classification: Uncertain significance. Last evaluated: 2024-04-25. Review status: criteria provided, single submitter. Criteria: Invitae Variant Classification Sherloc (09022015). Collection method: clinical testing. Allele origin: germline.
Comment: This sequence change falls in intron 12 of the RECQL gene. It does not directly change the encoded amino acid sequence of the RECQL protein. It affects a nucleotide within the consensus splice site. This variant is not present in population databases (gnomAD no frequency). This variant has not been reported in the literature in individuals affected with RECQL-related conditions. ClinVar contains an entry for this variant (Variation ID: 957821). Variants that disrupt the consensus splice site are a relatively common cause of aberrant splicing (PMID: 17576681, 9536098). Algorithms developed to predict the effect of sequence changes on RNA splicing suggest that this variant is not likely to affect RNA splicing. In summary, the available evidence is currently insufficient to determine the role of this variant in disease. Therefore, it has been classified as a Variant of Uncertain Significance.

Literature cited by the submitters: PubMed 17576681; PubMed 9536098.